The following is an entry in ClinVar:

NM_017649.5(CNNM2):c.604G>A (p.Ala202Thr)

Gene: CNNM2 (cyclin and CBS domain divalent metal cation transport mediator 2; plus strand). Cytogenetic location: 10q24.32.
Variant type: single nucleotide variant.
Coding change: c.604G>A on transcript NM_017649.5 (MANE Select); coding-DNA position 604, G replaced by A.
Protein change: p.Ala202Thr; replaces alanine 202 with threonine.
Molecular consequence: missense variant.
Genome position (GRCh38, 1-based): chr10:102,919,084, G>A. VCF-style: chr10-102919084-G-A. GRCh37 (hg19) VCF-style: chr10-104678841-G-A.
Other names: c.604G>A, p.Ala202Thr (NM_199076.3, NM_199077.3); short protein forms A202T.
Identifiers: ClinVar variation 298639 (VCV000298639.18), dbSNP rs75800852, ClinGen allele CA5670294.

ClinVar aggregate classification (germline): Benign/Likely benign. Review status: criteria provided, multiple submitters, no conflicts (2 of 4 stars). 5 submissions from 5 submitters: Benign (3); Likely benign (1). 1 of the submissions does not count toward it. Last evaluated 2026-05-05.

Conditions:
Renal hypomagnesemia 6. Identifiers: Orphanet 34527, MedGen C3151295, MONDO:0013480, OMIM 613882.
Hypomagnesemia, seizures, and impaired intellectual development 1. Also called: Hypomagnesemia, seizures, and intellectual disability 1. Identifiers: Orphanet 34527, MedGen C4225333, MONDO:0020787, OMIM 616418.
CNNM2-related disorder. Also called: CNNM2-related condition.

Allele frequency attached by ClinVar (database versions not stated): gnomAD 0.00034 and 0.00057; 1000 Genomes Project 0.00300; TOPMed 0.00083; gnomAD exomes 0.00132 and 0.00063; 1000 Genomes Project 30x 0.00265; ExAC 0.00124.

Submissions (5):

Revvity Omics, Revvity
Classification: Benign. Last evaluated: 2026-05-05. Review status: criteria provided, single submitter. Criteria: ACMG Guidelines, 2015. Collection method: clinical testing. Allele origin: germline.

Labcorp Genetics (formerly Invitae), Labcorp
Classification: Benign. Last evaluated: 2025-12-24. Review status: criteria provided, single submitter. Criteria: Invitae Variant Classification Sherloc (09022015). Collection method: clinical testing. Allele origin: germline.

Fulgent Genetics
Classification: Likely benign for Renal hypomagnesemia 6; Hypomagnesemia, seizures, and impaired intellectual development 1. Last evaluated: 2021-08-05. Review status: criteria provided, single submitter. Criteria: ACMG Guidelines, 2015. Collection method: clinical testing. Allele origin: unknown.

Illumina Laboratory Services, Illumina
Classification: Benign for Renal hypomagnesemia 6. Last evaluated: 2018-01-13. Review status: criteria provided, single submitter. Criteria: ICSL Variant Classification Criteria 13 December 2019. Collection method: clinical testing. Allele origin: germline.
Comment: This variant was observed in the ICSL laboratory as part of a predisposition screen in an ostensibly healthy population. It had not been previously curated by ICSL or reported in the Human Gene Mutation Database (HGMD: prior to June 1st, 2018), and was therefore a candidate for classification through an automated scoring system. Utilizing variant allele frequency, disease prevalence and penetrance estimates, and inheritance mode, an automated score was calculated to assess if this variant is too frequent to cause the disease. Based on the score and internal cut-off values, a variant classified as benign is not then subjected to further curation. The score for this variant resulted in a classification of benign for this disease.

PreventionGenetics, part of Exact Sciences
Classification: Benign for CNNM2-related condition. Last evaluated: 2019-04-03. Review status: no assertion criteria provided. Collection method: clinical testing. Allele origin: germline. Not counted in ClinVar's aggregate classification.
Comment: This variant is classified as benign based on ACMG/AMP sequence variant interpretation guidelines (Richards et al. 2015 PMID: 25741868, with internal and published modifications).